The following is an entry in ClinVar:

NM_001330.5(CTF1):c.169G>A (p.Gly57Arg)

Genes: CTF1 (cardiotrophin 1; plus strand), LOC130058878 (ATAC-STARR-seq lymphoblastoid silent region 7400; plus strand). Cytogenetic location: 16p11.2.
Variant type: single nucleotide variant.
Coding change: c.169G>A on transcript NM_001330.5 (MANE Select); coding-DNA position 169, G replaced by A.
Protein change: p.Gly57Arg; replaces glycine 57 with arginine.
Molecular consequence: missense variant. On other transcripts: non-coding transcript variant (1).
Genome position (GRCh38, 1-based): chr16:30,902,102, G>A. VCF-style: chr16-30902102-G-A. GRCh37 (hg19) VCF-style: chr16-30913423-G-A.
Other names: c.166G>A, p.Gly56Arg (NM_001142544.3); short protein forms G56R, G57R.
Identifiers: ClinVar variation 4791924 (VCV004791924.1).

ClinVar aggregate classification (germline): Uncertain significance (1 of 4 stars; one submission).

Submission:

Labcorp Genetics (formerly Invitae), Labcorp
Classification: Uncertain significance. Last evaluated: 2025-02-10. Review status: criteria provided, single submitter. Criteria: Invitae Variant Classification Sherloc (09022015). Collection method: clinical testing. Allele origin: germline.
Comment: This sequence change replaces glycine, which is neutral and non-polar, with arginine, which is basic and polar, at codon 57 of the CTF1 protein (p.Gly57Arg). This variant is not present in population databases (gnomAD no frequency). This variant has not been reported in the literature in individuals affected with CTF1-related conditions. An algorithm developed to predict the effect of missense changes on protein structure and function (PolyPhen-2) suggests that this variant is likely to be disruptive. In summary, the available evidence is currently insufficient to determine the role of this variant in disease. Therefore, it has been classified as a Variant of Uncertain Significance.